The following is an entry in ClinVar:

NM_020937.4(FANCM):c.2575A>G (p.Lys859Glu)

Gene: FANCM (FA complementation group M; plus strand). Cytogenetic location: 14q21.2.
Variant type: single nucleotide variant.
Coding change: c.2575A>G on transcript NM_020937.4 (MANE Select); coding-DNA position 2575, A replaced by G.
Protein change: p.Lys859Glu; replaces lysine 859 with glutamic acid.
Molecular consequence: missense variant.
Genome position (GRCh38, 1-based): chr14:45,175,329, A>G. VCF-style: chr14-45175329-A-G. GRCh37 (hg19) VCF-style: chr14-45644532-A-G.
Other names: c.2497A>G, p.Lys833Glu (NM_001308133.2); short protein forms K833E, K859E.
Identifiers: ClinVar variation 1319684 (VCV001319684.13), dbSNP rs188528606, ClinGen allele CA259627776.

ClinVar aggregate classification (germline): Uncertain significance. Review status: criteria provided, multiple submitters, no conflicts (2 of 4 stars). 4 submissions from 4 submitters: Uncertain significance (4). Last evaluated 2026-01-23.

Conditions:
Spermatogenic failure 28. Identifiers: MedGen C4748117, MONDO:0054732, OMIM 618086.
Premature ovarian failure 15. Identifiers: MedGen C4748170, MONDO:0054862, OMIM 618096.
Fanconi anemia (FA). Also called: Fanconi's anemia. Identifiers: Orphanet 84, MedGen C0015625, MeSH D005199, MONDO:0019391.

Allele frequency attached by ClinVar (database versions not stated): gnomAD 0.00001; gnomAD exomes 0.00002; TOPMed 0.00003; 1000 Genomes Project 0.00020; 1000 Genomes Project 30x 0.00031.
gnomAD v4.1: 24 of 1,559,584 alleles (0.0015%); highest among the groups gnomAD compares: Admixed American, 0.008%; no homozygotes.

Submissions (4):

Labcorp Genetics (formerly Invitae), Labcorp
Classification: Uncertain significance for Fanconi anemia. Last evaluated: 2026-01-23. Review status: criteria provided, single submitter. Criteria: Invitae Variant Classification Sherloc (09022015). Collection method: clinical testing. Allele origin: germline.
Comment: This sequence change replaces lysine, which is basic and polar, with glutamic acid, which is acidic and polar, at codon 859 of the FANCM protein (p.Lys859Glu). The frequency data for this variant in the population databases is considered unreliable, as metrics indicate poor data quality at this position in the gnomAD database. This variant has not been reported in the literature in individuals affected with FANCM-related conditions. ClinVar contains an entry for this variant (Variation ID: 1319684). An algorithm developed to predict the effect of missense changes on protein structure and function outputs the following: PolyPhen-2: "Benign". The glutamic acid amino acid residue is found in multiple mammalian species, which suggests that this missense change does not adversely affect protein function. In summary, the available evidence is currently insufficient to determine the role of this variant in disease. Therefore, it has been classified as a Variant of Uncertain Significance.

Fulgent Genetics
Classification: Uncertain significance for Spermatogenic failure 28; Premature ovarian failure 15. Last evaluated: 2024-03-12. Review status: criteria provided, single submitter. Criteria: ACMG Guidelines, 2015. Collection method: clinical testing. Allele origin: germline.

GeneDx
Classification: Uncertain significance. Last evaluated: 2024-02-06. Review status: criteria provided, single submitter. Criteria: GeneDx Variant Classification Process June 2021. Collection method: clinical testing. Allele origin: germline. Affected: yes.
Comment: Not observed at significant frequency in large population cohorts (gnomAD); In silico analysis supports that this missense variant does not alter protein structure/function; Has not been previously published as pathogenic or benign to our knowledge

Institute for Clinical Genetics, University Hospital TU Dresden, University Hospital TU Dresden
Classification: Uncertain significance. Last evaluated: 2021-11-03. Review status: criteria provided, single submitter. Criteria: ACMG Guidelines, 2015. Collection method: clinical testing. Allele origin: germline.